The following is an entry in ClinVar:

ClinVar aggregate classification (germline): Uncertain significance (1 of 4 stars; one submission).

Submission:

Labcorp Genetics (formerly Invitae), Labcorp
Classification: Uncertain significance. Last evaluated: 2023-05-15. Review status: criteria provided, single submitter. Criteria: Invitae Variant Classification Sherloc (09022015). Collection method: clinical testing. Allele origin: germline.
Comment: This variant has not been reported in the literature in individuals affected with ERBIN-related conditions. In summary, the available evidence is currently insufficient to determine the role of this variant in disease. Therefore, it has been classified as a Variant of Uncertain Significance. Variants that disrupt the consensus splice site are a relatively common cause of aberrant splicing (PMID: 17576681, 9536098). Algorithms developed to predict the effect of sequence changes on RNA splicing suggest that this variant is not likely to affect RNA splicing. ClinVar contains an entry for this variant (Variation ID: 2124247). This variant is not present in population databases (gnomAD no frequency). This sequence change falls in intron 3 of the ERBIN gene. It does not directly change the encoded amino acid sequence of the ERBIN protein. It affects a nucleotide within the consensus splice site.

Literature cited by the submitters: PubMed 17576681; PubMed 9536098.

NM_001253697.2(ERBIN):c.190-3T>C

Gene: ERBIN (erbb2 interacting protein; plus strand). Cytogenetic location: 5q12.3.
Variant type: single nucleotide variant.
Coding change: c.190-3T>C on transcript NM_001253697.2 (MANE Select); 3 bases into the intron before coding-DNA position 190, T replaced by C.
Molecular consequence: intron variant.
Genome position (GRCh38, 1-based): chr5:65,994,744, T>C. VCF-style: chr5-65994744-T-C. GRCh37 (hg19) VCF-style: chr5-65290572-T-C.
Other names: c.190-3T>C (NM_001253699.2, NM_018695.4, NM_001253698.2 and 2 more transcripts).
Identifiers: ClinVar variation 2124247 (VCV002124247.4), dbSNP rs2546614967, ClinGen allele CA2580073375.
Genomic context (GRCh38, chr5:65,994,744, plus strand): 5'-GTTAGTTCATGAAATATTTAAAGATGTATATAATTGACATTCTTTCCTCCCTTTTTTCAA[T>C]AGCAACTTTTTAACTGTCAGTCTTTACACAAACTGAGTTTGCCAGACAATGATTTAACAA-3'